The following is an entry in ClinVar:

NM_004656.4(BAP1):c.262C>A (p.Pro88Thr)

Gene: BAP1 (BRCA1 associated deubiquitinase 1; minus strand). Cytogenetic location: 3p21.1.
Variant type: single nucleotide variant.
Coding change: c.262C>A on transcript NM_004656.4 (MANE Select); coding-DNA position 262, C replaced by A.
Protein change: p.Pro88Thr; replaces proline 88 with threonine.
Molecular consequence: missense variant.
Genome position (GRCh38, 1-based): chr3:52,408,071, G>T on the plus strand (C>A on the coding strand, the complement: BAP1 is on the minus strand). VCF-style: chr3-52408071-G-T. GRCh37 (hg19) VCF-style: chr3-52442087-G-T.
Other names: c.262C>A (LRG_529t1); short protein forms P88T.
Identifiers: ClinVar variation 485303 (VCV000485303.16), dbSNP rs1304265975, ClinGen allele CA353112700.

ClinVar aggregate classification (germline): Uncertain significance. Review status: criteria provided, multiple submitters, no conflicts (2 of 4 stars). 5 submissions from 5 submitters: Uncertain significance (5). Last evaluated 2026-07-01.

Conditions:
Hereditary cancer-predisposing syndrome. Also called: Hereditary neoplastic syndrome; Tumor predisposition; Neoplastic Syndromes, Hereditary; Hereditary Cancer Syndrome. Identifiers: Orphanet 140162, MedGen C0027672, MeSH D009386, MONDO:0015356.
BAP1-related tumor predisposition syndrome (TPDS1). Also called: TUMOR PREDISPOSITION SYNDROME 1; Tumor susceptibility linked to germline BAP1 mutations; BAP1 tumor predisposition syndrome; COMMON Syndrome. Identifiers: Orphanet 289539, MedGen C3280492, MONDO:0013692, OMIM 614327.

Allele frequency attached by ClinVar (database versions not stated): gnomAD 0.00001; TOPMed 0.00001.
gnomAD v4.1: 5 of 1,606,216 alleles (0.00031%); highest among the groups gnomAD compares: Non-Finnish European, 0.00043%; no homozygotes.

Submissions (5):

CeGaT Center for Human Genetics Tuebingen
Classification: Uncertain significance. Last evaluated: 2026-07-01. Review status: criteria provided, single submitter. Criteria: CeGaT Center For Human Genetics Tuebingen Variant Classification Criteria Version 2. Collection method: clinical testing. Allele origin: germline. Affected: yes. Observed: 3 variant alleles.
Comment: BAP1: PM2:Supporting, PP2

Labcorp Genetics (formerly Invitae), Labcorp
Classification: Uncertain significance for BAP1-related tumor predisposition syndrome. Last evaluated: 2025-09-14. Review status: criteria provided, single submitter. Criteria: Invitae Variant Classification Sherloc (09022015). Collection method: clinical testing. Allele origin: germline.
Comment: This sequence change replaces proline, which is neutral and non-polar, with threonine, which is neutral and polar, at codon 88 of the BAP1 protein (p.Pro88Thr). This variant is present in population databases (no rsID available, gnomAD 0.007%). This variant has not been reported in the literature in individuals affected with BAP1-related conditions. ClinVar contains an entry for this variant (Variation ID: 485303). Invitae Evidence Modeling of protein sequence and biophysical properties (such as structural, functional, and spatial information, amino acid conservation, physicochemical variation, residue mobility, and thermodynamic stability) indicates that this missense variant is expected to disrupt BAP1 protein function with a positive predictive value of 80%. In summary, the available evidence is currently insufficient to determine the role of this variant in disease. Therefore, it has been classified as a Variant of Uncertain Significance.

Color Diagnostics, LLC DBA Color Health
Classification: Uncertain significance for Hereditary cancer-predisposing syndrome. Last evaluated: 2024-03-06. Review status: criteria provided, single submitter. Criteria: ACMG Guidelines, 2015. Collection method: clinical testing. Allele origin: germline.
Comment: This missense variant replaces proline with threonine at codon 88 of the BAP1 protein. Computational prediction is inconclusive regarding the impact of this variant on protein structure and function (internally defined REVEL score threshold 0.5 < inconclusive < 0.7, PMID: 27666373). To our knowledge, functional studies have not been reported for this variant. This variant has not been reported in individuals affected with BAP1-related disorders in the literature. This variant has been identified in 1/31382 chromosomes in the general population by the Genome Aggregation Database (gnomAD). The available evidence is insufficient to determine the role of this variant in disease conclusively. Therefore, this variant is classified as a Variant of Uncertain Significance.

Ambry Genetics
Classification: Uncertain significance for Hereditary cancer-predisposing syndrome. Last evaluated: 2023-08-24. Review status: criteria provided, single submitter. Criteria: Ambry Variant Classification Scheme 2023. Collection method: clinical testing. Allele origin: germline.
Comment: The p.P88T variant (also known as c.262C>A), located in coding exon 5 of the BAP1 gene, results from a C to A substitution at nucleotide position 262. The proline at codon 88 is replaced by threonine, an amino acid with highly similar properties. This amino acid position is highly conserved in available vertebrate species. In addition, the in silico prediction for this alteration is inconclusive. Since supporting evidence is limited at this time, the clinical significance of this alteration remains unclear.

Baylor Genetics
Classification: Uncertain significance for BAP1-related tumor predisposition syndrome. Last evaluated: 2023-05-10. Review status: criteria provided, single submitter. Criteria: ACMG Guidelines, 2015. Collection method: clinical testing. Allele origin: unknown.